The following is an entry in ClinVar:

NM_007214.5(SEC63):c.*861A>G

Gene: SEC63 (SEC63 homolog, protein translocation regulator; minus strand). Cytogenetic location: 6q21.
Variant type: single nucleotide variant.
Coding change: c.*861A>G on transcript NM_007214.5 (MANE Select); 861 bases downstream of the stop codon, A replaced by G.
Molecular consequence: 3 prime UTR variant.
Genome position (GRCh38, 1-based): chr6:107,870,843, T>C on the plus strand (A>G on the coding strand, the complement: SEC63 is on the minus strand). VCF-style: chr6-107870843-T-C. GRCh37 (hg19) VCF-style: chr6-108192047-T-C.
Identifiers: ClinVar variation 354879 (VCV000354879.5), dbSNP rs9480810, ClinGen allele CA10625603.

ClinVar aggregate classification (germline): Benign (1 of 4 stars; one submission).

Conditions:
Polycystic liver disease 2 (PCLD2). Also called: Polycystic liver disease 2 with or without kidney cysts. Identifiers: Orphanet 2924, MedGen C4310769, MONDO:0014860, OMIM 617004.

Allele frequency attached by ClinVar (database versions not stated): 1000 Genomes Project 0.00379; gnomAD 0.00459 and 0.00430; 1000 Genomes Project 30x 0.00359; TOPMed 0.00468.

Submission:

Illumina Laboratory Services, Illumina
Classification: Benign for Polycystic liver disease 2. Last evaluated: 2018-01-12. Review status: criteria provided, single submitter. Criteria: ICSL Variant Classification Criteria 13 December 2019. Collection method: clinical testing. Allele origin: germline.
Comment: This variant was observed in the ICSL laboratory as part of a predisposition screen in an ostensibly healthy population. It had not been previously curated by ICSL or reported in the Human Gene Mutation Database (HGMD: prior to June 1st, 2018), and was therefore a candidate for classification through an automated scoring system. Utilizing variant allele frequency, disease prevalence and penetrance estimates, and inheritance mode, an automated score was calculated to assess if this variant is too frequent to cause the disease. Based on the score and internal cut-off values, a variant classified as benign is not then subjected to further curation. The score for this variant resulted in a classification of benign for this disease.